The following is an entry in ClinVar:

ClinVar aggregate classification (germline): Likely pathogenic. Review status: reviewed by expert panel (3 of 4 stars). 6 submissions from 6 submitters: Likely pathogenic (1). 5 of the submissions do not count toward it. Last evaluated 2025-10-04.

Conditions:
RS1-related disorder. Also called: RS1-related condition.
Retinal dystrophy. Also called: Inherited retinal dystrophy. Identifiers: Orphanet 71862, MedGen C0854723, MeSH D058499, MONDO:0019118, HP:0000556.
Juvenile retinoschisis (RS1). Also called: X-Linked Juvenile Retinoschisis; X-linked retinoschisis. Identifiers: Orphanet 792, MedGen C3714753, MONDO:0010725, OMIM 312700.

Submissions (6):

ClinGen X-linked Inherited Retinal Disease Variant Curation Expert Panel, ClinGen
Classification: Likely pathogenic for Juvenile retinoschisis. Last evaluated: 2025-10-04. Review status: reviewed by expert panel. Criteria: ClinGen X LinkedIRD ACMG Specifications RS1 V1.0.0. Collection method: curation. Allele origin: germline. Inheritance: X-linked inheritance.
Comment: NM_000330.4(RS1):c.655T>C (p.Cys219Arg) is a missense variant encoding the substitution of cysteine with arginine at amino acid 219. Another missense variant in the same codon, NM_000330.4(RS1):c.655T>G (p.Cys219Gly) has been classified as likely pathogenic for X-linked retinoschisis by the ClinGen X-linked IRD VCEP, while no benign missense variants have been identified in this codon. The present variant has a higher Grantham’s distance (180) than the comparison variant (159), and SpliceAI has been used to confirm that neither variant has a predicted impact on RS1 splicing (PM5_Supporting). This variant is absent from hemizygous individuals in gnomAD v4.1.0 (PM2_Supporting). This variant has been reported in at least 2 unrelated probands meeting the PS4 requirement of a male diagnosed with X-linked retinoschisis (PMID: 39462066, PMID: 35982512, PMID: 9618178, PS4_Supporting). The variant has been reported to segregate with X-linked retinoschisis through 2 affected family members (PP1; PMID: 39462066). No description was provided of parental genotyping, so PS2 was not met. COS-1 cells exogenously expressing the variant protein exhibit loss of RS1 secretion into the medium relative to the wild-type control, caused by misfolding, aggregation, and ER retention of the variant protein (PMID: 12746437, PS3_Supporting). The computational predictor REVEL gives a score of 0.978, which is above the ClinGen X-linked IRD VCEP threshold of >0.932 and predicts a damaging effect on RS1 function (PP3_Strong). The computational splicing predictor SpliceAI gives a delta score of 0.00, which is below the ClinGen X-linked IRD VCEP threshold of ≥0.2 and does not predict that the variant disrupts RS1 splicing. This variant is a missense substitution affecting a critical amino acid residue involved in disulfide bridge formation as defined by the ClinGen X-linked IRD VCEP (PMID: 26812435). PM1_Strong is not met as this code is ineligible to be used in combination with PP3_Strong. In summary, this variant is classified as likely pathogenic for X-linked retinoschisis based on the ClinGen X-linked Inherited Retinal Disease Expert Panel Specifications to the ACMG/AMP Variant Interpretation Guidelines for RS1 Version 1.0.0: PM2_Supporting, PP3_Strong, PM5_Supporting, PS3_Supporting, PS4_Supporting, and PP1.

Labcorp Genetics (formerly Invitae), Labcorp
Classification: Pathogenic. Last evaluated: 2025-06-19. Review status: criteria provided, single submitter. Criteria: Invitae Variant Classification Sherloc (09022015). Collection method: clinical testing. Allele origin: germline. Not counted in ClinVar's aggregate classification.
Comment: This sequence change replaces cysteine, which is neutral and slightly polar, with arginine, which is basic and polar, at codon 219 of the RS1 protein (p.Cys219Arg). This variant is not present in population databases (gnomAD no frequency). This missense change has been observed in individual(s) with retinoschisis (PMID: 9618178). In at least one individual the variant was observed to be de novo. ClinVar contains an entry for this variant (Variation ID: 99015). Invitae Evidence Modeling of protein sequence and biophysical properties (such as structural, functional, and spatial information, amino acid conservation, physicochemical variation, residue mobility, and thermodynamic stability) indicates that this missense variant is expected to disrupt RS1 protein function with a positive predictive value of 95%. This variant disrupts the p.Cys219 amino acid residue in RS1. Other variant(s) that disrupt this residue have been observed in individuals with RS1-related conditions (PMID: 9618178, 20061330, 30652005), which suggests that this may be a clinically significant amino acid residue. For these reasons, this variant has been classified as Pathogenic.

Myriad Genetics, Inc.
Classification: Likely pathogenic for Juvenile retinoschisis. Last evaluated: 2025-06-17. Review status: criteria provided, single submitter. Criteria: Myriad Autosomal Dominant, Autosomal Recessive and X-Linked Classification Criteria (2023). Collection method: clinical testing. Allele origin: unknown. Not counted in ClinVar's aggregate classification.
Comment: NM_000330.3(RS1):c.655T>C(C219R) is a missense variant classified as likely pathogenic in the context of X-linked juvenile retinoschisis. C219R has been observed in cases with relevant disease (PMID: 9618178, 35456481). Relevant functional assessments of this variant are available in the literature (PMID: 12746437). C219R has not been observed in referenced population frequency databases. In summary, NM_000330.3(RS1):c.655T>C(C219R) is a missense variant that has functional support for pathogenicity and has been observed more frequently in cases with the relevant disease than in healthy populations. Please note: this variant was assessed in the context of healthy population screening.

Institute of Human Genetics, Univ. Regensburg, Univ. Regensburg
Classification: Pathogenic for Retinal dystrophy. Last evaluated: 2018-01-01. Review status: criteria provided, single submitter. Criteria: ACMG Guidelines, 2015. Collection method: clinical testing. Allele origin: germline. Affected: yes. Not counted in ClinVar's aggregate classification.

Blueprint Genetics
Classification: Likely pathogenic for RS1-related disorders. Last evaluated: 2017-12-09. Review status: criteria provided, single submitter. Criteria: ACMG Guidelines, 2015. Collection method: clinical testing. Allele origin: germline. Affected: yes. Observed: 1 variant allele. Not counted in ClinVar's aggregate classification.

Retina International
No classification provided. Review status: no classification provided. Collection method: not provided. Allele origin: unknown. Not counted in ClinVar's aggregate classification.

Literature cited by the submitters: PubMed 9618178 (cited by 3 submitters); PubMed 20061330 (cited by Labcorp Genetics (formerly Invitae), Labcorp); PubMed 30652005 (cited by Labcorp Genetics (formerly Invitae), Labcorp); PubMed 12746437 (cited by Myriad Genetics, Inc.); PubMed 35456481 (cited by Myriad Genetics, Inc. and Institute of Human Genetics, Univ. Regensburg, Univ. Regensburg).

NM_000330.4(RS1):c.655T>C (p.Cys219Arg)

Genes: CDKL5 (cyclin dependent kinase like 5; plus strand), RS1 (retinoschisin 1; minus strand). Cytogenetic location: Xp22.13.
Variant type: single nucleotide variant.
Coding change: c.655T>C on transcript NM_000330.4 (MANE Select); coding-DNA position 655, T replaced by C.
Protein change: p.Cys219Arg; replaces cysteine 219 with arginine.
Molecular consequence: missense variant. On other transcripts: intron variant (2).
Genome position (GRCh38, 1-based): chrX:18,642,024, A>G on the plus strand (T>C on the coding strand, the complement: RS1 is on the minus strand). VCF-style: chrX-18642024-A-G. GRCh37 (hg19) VCF-style: chrX-18660144-A-G.
Other names: NM_000330.4(RS1):c.655T>C; c.2714-3983A>G (NM_003159.3, NM_001037343.2); short protein forms C219R.
Identifiers: ClinVar variation 99015 (VCV000099015.15), dbSNP rs281865369, ClinGen allele CA226841.